The following is an entry in ClinVar:

NM_001365999.1(SZT2):c.4370T>A (p.Phe1457Tyr)

Gene: SZT2 (SZT2 subunit of KICSTOR complex; plus strand). Cytogenetic location: 1p34.2.
Variant type: single nucleotide variant.
Coding change: c.4370T>A on transcript NM_001365999.1 (MANE Select); coding-DNA position 4370, T replaced by A.
Protein change: p.Phe1457Tyr; replaces phenylalanine 1457 with tyrosine.
Molecular consequence: missense variant.
Genome position (GRCh38, 1-based): chr1:43,430,072, T>A. VCF-style: chr1-43430072-T-A. GRCh37 (hg19) VCF-style: chr1-43895743-T-A.
Other names: c.4199T>A, p.Phe1400Tyr (NM_015284.4); short protein forms F1400Y, F1457Y.
Identifiers: ClinVar variation 651379 (VCV000651379.13), dbSNP rs147201727, ClinGen allele CA809262.
Genomic context (GRCh38, chr1:43,430,072, plus strand): 5'-AGAAGTTCCTAGAGATCAGTCGTCTCCACTTCCGCACAGTGCCTTCCAATCCCCACTACT[T>A]CTTCTATTGCCCTCCATCCAGCAGGCGAGAAGTGAGTGGCTCTCTTCCTTACCTCTCTCG-3'
Protein context (NP_001352928.1, residues 1447-1467): FRTVPSNPHY[Phe1457Tyr]FYCPPSSRRE

ClinVar aggregate classification (germline): Conflicting classifications of pathogenicity. Review status: criteria provided, conflicting classifications (1 of 4 stars). 6 submissions from 6 submitters: Uncertain significance (5); Likely benign (1). Last evaluated 2025-10-27.

Conditions:
Developmental and epileptic encephalopathy, 18 (DEE18). Also called: Early infantile epileptic encephalopathy 18. Identifiers: Orphanet 369894, MedGen C3809624, MONDO:0014201, OMIM 615476.
Inborn genetic diseases. Identifiers: MedGen C0950123, MeSH D030342.

Allele frequency attached by ClinVar (database versions not stated): gnomAD exomes 0.00001 and 0.00007; TOPMed 0.00005; gnomAD 0.00006 and 0.00007; ExAC 0.00010; 1000 Genomes Project 30x 0.00016; 1000 Genomes Project 0.00020; ESP Exome Variant Server 0.00023.
gnomAD v4.1: 47 of 1,614,086 alleles (0.0029%); highest among the groups gnomAD compares: East Asian, 0.029%; no homozygotes.

Submissions (6):

Labcorp Genetics (formerly Invitae), Labcorp
Classification: Uncertain significance. Last evaluated: 2025-10-27. Review status: criteria provided, single submitter. Criteria: Invitae Variant Classification Sherloc (09022015). Collection method: clinical testing. Allele origin: germline.
Comment: This sequence change replaces phenylalanine, which is neutral and non-polar, with tyrosine, which is neutral and polar, at codon 1400 of the SZT2 protein (p.Phe1400Tyr). This variant is present in population databases (rs147201727, gnomAD 0.05%). This variant has not been reported in the literature in individuals affected with SZT2-related conditions. ClinVar contains an entry for this variant (Variation ID: 651379). Invitae Evidence Modeling of protein sequence and biophysical properties (such as structural, functional, and spatial information, amino acid conservation, physicochemical variation, residue mobility, and thermodynamic stability) indicates that this missense variant is not expected to disrupt SZT2 protein function with a negative predictive value of 80%. In summary, the available evidence is currently insufficient to determine the role of this variant in disease. Therefore, it has been classified as a Variant of Uncertain Significance.

GeneDx
Classification: Uncertain significance. Last evaluated: 2025-08-08. Review status: criteria provided, single submitter. Criteria: GeneDx Variant Classification Process June 2021. Collection method: clinical testing. Allele origin: germline.
Comment: In silico analysis suggests that this missense variant does not alter protein structure/function; Has not been previously published as pathogenic or benign to our knowledge

Ambry Genetics
Classification: Uncertain significance for Inborn genetic diseases. Last evaluated: 2024-10-24. Review status: criteria provided, single submitter. Criteria: Ambry Variant Classification Scheme 2023. Collection method: clinical testing. Allele origin: germline.

3billion
Classification: Likely benign for Developmental and epileptic encephalopathy, 18. Last evaluated: 2024-09-20. Review status: criteria provided, single submitter. Criteria: ACMG Guidelines, 2015. Collection method: clinical testing. Allele origin: germline. Affected: no.
Comment: The homozygous variant was found in patients diagnosed with another variant in a different gene, with no symptoms related to the gene containing the homozygous variant.

Genome-Nilou Lab
Classification: Uncertain significance for Developmental and epileptic encephalopathy, 18. Last evaluated: 2023-04-11. Review status: criteria provided, single submitter. Criteria: ACMG Guidelines, 2015. Collection method: clinical testing. Allele origin: germline. Affected: no.

Baylor Genetics
Classification: Uncertain significance for Developmental and epileptic encephalopathy, 18. Last evaluated: 2018-07-18. Review status: criteria provided, single submitter. Criteria: ACMG Guidelines, 2015. Collection method: clinical testing. Allele origin: paternal. Affected: yes.
Comment: This variant was determined to be of uncertain significance according to ACMG Guidelines, 2015 [PMID:25741868].